The following is an entry in ClinVar:

NM_001005373.4(LRSAM1):c.1541T>A (p.Leu514Gln)

Gene: LRSAM1 (leucine rich repeat and sterile alpha motif containing 1; plus strand). Cytogenetic location: 9q33.3.
Variant type: single nucleotide variant.
Coding change: c.1541T>A on transcript NM_001005373.4 (MANE Select); coding-DNA position 1541, T replaced by A.
Protein change: p.Leu514Gln; replaces leucine 514 with glutamine.
Molecular consequence: missense variant. On other transcripts: non-coding transcript variant (2).
Genome position (GRCh38, 1-based): chr9:127,492,839, T>A. VCF-style: chr9-127492839-T-A. GRCh37 (hg19) VCF-style: chr9-130255118-T-A.
Other names: c.1541T>A, p.Leu514Gln (NM_001005374.4, NM_001384142.1, NM_001384143.1 and 1 more transcripts); c.1460T>A, p.Leu487Gln (NM_001190723.3); c.752T>A, p.Leu251Gln (NM_001384144.1); short protein forms L514Q, L487Q, L251Q.
Identifiers: ClinVar variation 961252 (VCV000961252.5), dbSNP rs758290295, ClinGen allele CA5247046.
Genomic context (GRCh38, chr9:127,492,839, plus strand): 5'-GCGGGGTGTGGTCTTGTTCGCAGGAGATGATCTCGGAGCAGCGCTGGGCCCTCAGCTCCC[T>A]GCTCCAGCAGCTGCTCAAAGAGAAGCAGCAGCGAGAGGAAGAGCTCCGGGAAATCCTGGT-3'
Protein context (NP_001005373.1, residues 504-524): ISEQRWALSS[Leu514Gln]LQQLLKEKQQ

ClinVar aggregate classification (germline): Uncertain significance (1 of 4 stars; one submission).

Conditions:
Charcot-Marie-Tooth disease axonal type 2P. Also called: CHARCOT-MARIE-TOOTH DISEASE, AXONAL, TYPE 2G; CMT 2G; Charcot-Marie-Tooth Neuropathy Type 2G; CHARCOT-MARIE-TOOTH NEUROPATHY, TYPE 2P. Identifiers: Orphanet 300319, Orphanet 99941, MedGen C3280797, MONDO:0013753, OMIM 614436.

Allele frequency attached by ClinVar (database versions not stated): ExAC 0.00002; gnomAD 0.00002; gnomAD exomes below 0.00001 and 0.00001; TOPMed 0.00001.
gnomAD v4.1: 4 of 1,613,884 alleles (0.00025%); highest among the groups gnomAD compares: African/African-American, 0.0053%; no homozygotes.

Submission:

Labcorp Genetics (formerly Invitae), Labcorp
Classification: Uncertain significance for Charcot-Marie-Tooth disease axonal type 2P. Last evaluated: 2025-09-22. Review status: criteria provided, single submitter. Criteria: Invitae Variant Classification Sherloc (09022015). Collection method: clinical testing. Allele origin: germline.
Comment: This sequence change replaces leucine, which is neutral and non-polar, with glutamine, which is neutral and polar, at codon 514 of the LRSAM1 protein (p.Leu514Gln). This variant is present in population databases (rs758290295, gnomAD 0.01%). This variant has not been reported in the literature in individuals affected with LRSAM1-related conditions. ClinVar contains an entry for this variant (Variation ID: 961252). Invitae Evidence Modeling of protein sequence and biophysical properties (such as structural, functional, and spatial information, amino acid conservation, physicochemical variation, residue mobility, and thermodynamic stability) indicates that this missense variant is expected to disrupt LRSAM1 protein function with a positive predictive value of 80%. In summary, the available evidence is currently insufficient to determine the role of this variant in disease. Therefore, it has been classified as a Variant of Uncertain Significance.